The following is an entry in ClinVar:

NM_000132.4(F8):c.902G>A (p.Arg301His)

Gene: F8 (coagulation factor VIII; minus strand). Cytogenetic location: Xq28.
Variant type: single nucleotide variant.
Coding change: c.902G>A on transcript NM_000132.4 (MANE Select); coding-DNA position 902, G replaced by A.
Protein change: p.Arg301His; replaces arginine 301 with histidine.
Molecular consequence: missense variant.
Genome position (GRCh38, 1-based): chrX:154,969,438, C>T on the plus strand (G>A on the coding strand, the complement: F8 is on the minus strand). VCF-style: chrX-154969438-C-T. GRCh37 (hg19) VCF-style: chrX-154197713-C-T.
Other names: F8, ARG282HIS; R282H; short protein forms R301H.
Identifiers: ClinVar variation 10192 (VCV000010192.12), dbSNP rs137852403, ClinGen allele CA255079.

ClinVar aggregate classification (germline): Pathogenic. Review status: criteria provided, multiple submitters, no conflicts (2 of 4 stars). 5 submissions from 5 submitters: Pathogenic (3). 2 of the submissions do not count toward it. Last evaluated 2026-03-06.

Conditions:
F8-related disorder. Also called: F8-related condition.
Severe hemophilia A. Identifiers: Orphanet 169802, MedGen C0272322, MONDO:0015719.
Hereditary factor VIII deficiency disease (HEMA). Also called: AUTOSOMAL HEMOPHILIA A; HEMOPHILIA, CLASSIC; Hemophilia A, congenital; HEM A; Factor 8 deficiency, congenital; Hemophilia A. Identifiers: Orphanet 98878, MedGen C0019069, MONDO:0010602, OMIM 306700.

Submissions (5):

Clinical Genetics Laboratory, Skane University Hospital Lund
Classification: Pathogenic for Severe hemophilia A. Last evaluated: 2026-03-06. Review status: criteria provided, single submitter. Criteria: ACMG Guidelines, 2015. Collection method: clinical testing. Allele origin: germline. Inheritance: X-linked inheritance. Affected: yes.
Comment: F8 (NM_000132.4) c.902G>A, p.(Arg301His) represents a nucleotide substitution in exon 7 of 26, resulting in the amino acid change stated above, which is predicted to be functionally deleterious to the protein. F8 c.902G>A has not been identified in males in the general population (gnomAD v4.1.0) and has previously been reported as pathogenic in the ClinVar database (Variation ID: 10192). The variant has also been reported in patients with severe and moderate hemophilia A in the locus-specific databases EAHAD and CHAMP (43 individuals) and internally (6 individuals). The variant segregates with disease in a family in our internal database (>3 meioses). The variant has been classified as pathogenic using gene-specific criteria (ClinGen Coagulation Factor Deficiency Expert Panel Specifications to the ACMG/AMP Variant Interpretation Guidelines for F8 Version 2.0.0): PS4_Very strong, PM2_Supporting, PP1_Moderate, PP3_Supporting.

GeneDx
Classification: Pathogenic. Last evaluated: 2025-03-24. Review status: criteria provided, single submitter. Criteria: GeneDx Variant Classification Process June 2021. Collection method: clinical testing. Allele origin: germline. Affected: yes.
Comment: Not observed at significant frequency in large population cohorts (gnomAD); In silico analysis supports that this missense variant has a deleterious effect on protein structure/function; Also known as p.(R282H); This variant is associated with the following publications: (PMID: 11554935, 10408784, 8449505, 10338101, 34708896, 16601827, 18691168, 16834740, 33245802, 33706050, 19473423, 8490618, 18403393, 1908096, 32897612, 16769589, 17286775)

ARUP Laboratories, Molecular Genetics and Genomics, ARUP Laboratories
Classification: Pathogenic. Last evaluated: 2018-01-16. Review status: criteria provided, single submitter. Criteria: ARUP Molecular Germline Variant Investigation Process. Collection method: clinical testing. Allele origin: germline.
Comment: The F8 c.902G>A; p.Arg301His variant (rs137852403), also known as R282H for legacy nomenclature, is reported in the literature in patients with severe hemophilia (Casana2008, Factor VIII database). This variant is also reported in the ClinVar database (Variation ID: 10192). This variant is not found in the general population databases (1000 Genomes Project, Exome Variant Server, Genome Aggregation Database), indicating it is not a common polymorphism. The arginine at codon 301 is highly conserved and computational algorithms (SIFT, PolyPhen2, MutationTaster) predict this missense variant to be damaging. Based on the above information, we consider this variant to be pathogenic. References: Factor VIII database: Casana P et al. Severe and moderate hemophilia A: identification of 38 new genetic alterations. Haematologica 2008; 93:1091-1094.

PreventionGenetics, part of Exact Sciences
Classification: Pathogenic for F8-related condition. Last evaluated: 2024-08-10. Review status: no assertion criteria provided. Collection method: clinical testing. Allele origin: germline. Not counted in ClinVar's aggregate classification.
Comment: The F8 c.902G>A variant is predicted to result in the amino acid substitution p.Arg301His. This variant is also described using legacy nomenclature as p.Arg282His, has been reported in many individuals with moderate to severe hemophilia A (Higuchi et al. 1991. PubMed ID: 1908096; F8 Database). This variant has not been reported in a large population database, indicating this variant is rare. This variant is interpreted as pathogenic.

OMIM
Classification: Pathogenic for HEMOPHILIA A. Last evaluated: 1993-11-01. Review status: no assertion criteria provided. Collection method: literature only. Allele origin: germline. Not counted in ClinVar's aggregate classification.

Literature cited by the submitters: PubMed 1908096 (cited by OMIM); PubMed 8449505 (cited by OMIM); PubMed 8281136 (cited by OMIM).